The following is an entry in ClinVar:

ClinVar aggregate classification (germline): Pathogenic (1 of 4 stars; one submission).

Conditions:
Sulfite oxidase deficiency due to molybdenum cofactor deficiency type A. Also called: Molybdenum Cofactor Deficiency A; Molybdenum cofactor deficiency, complementation group A. Identifiers: Orphanet 308386, Orphanet 833, MedGen C1854988, MONDO:0009643, OMIM 252150.

Submission:

Labcorp Genetics (formerly Invitae), Labcorp
Classification: Pathogenic for Sulfite oxidase deficiency due to molybdenum cofactor deficiency type A. Last evaluated: 2021-11-12. Review status: criteria provided, single submitter. Criteria: Invitae Variant Classification Sherloc (09022015). Collection method: clinical testing. Allele origin: germline.
Comment: For these reasons, this variant has been classified as Pathogenic. This variant has not been reported in the literature in individuals affected with MOCS1-related conditions. This variant is not present in population databases (gnomAD no frequency). This sequence change creates a premature translational stop signal (p.Val115*) in the MOCS1 gene. It is expected to result in an absent or disrupted protein product. Loss-of-function variants in MOCS1 are known to be pathogenic (PMID: 12754701, 16021469).

Literature cited by the submitters: PubMed 12754701; PubMed 16021469.

NM_001358530.2(MOCS1):c.343del (p.Phe114_Val115insTer)

Gene: MOCS1 (molybdenum cofactor synthesis 1; minus strand). Cytogenetic location: 6p21.2.
Variant type: Deletion.
Coding change: c.343del on transcript NM_001358530.2 (MANE Select); coding-DNA position 343, one base deleted (G; older notation c.343delG).
Protein change: p.Phe114_Val115insTer.
Molecular consequence: nonsense. On other transcripts: non-coding transcript variant (1).
Genome position (GRCh38, 1-based): chr6:39,925,753, C deleted on the plus strand (G on the coding strand, the reverse complement: MOCS1 is on the minus strand). VCF-style (leftmost placement, unchanged base first): chr6-39925752-AC-A. GRCh37 (hg19) VCF-style: chr6-39893496-AC-A.
Other names: c.343del, p.Phe114_Val115insTer (NM_001075098.4, NM_001358529.2, NM_005943.6); c.82del, p.Phe27_Val28insTer (NM_001358531.2, NM_001358533.2, NM_001358534.2).
Identifiers: ClinVar variation 1448612 (VCV001448612.6), dbSNP rs2149419438, ClinGen allele CA2573140723.